The following is an entry in ClinVar:

ClinVar aggregate classification (germline): Uncertain significance. Review status: criteria provided, multiple submitters, no conflicts (2 of 4 stars). 2 submissions from 2 submitters: Uncertain significance (2). Last evaluated 2024-03-07.

Conditions:
Hereditary cancer-predisposing syndrome. Also called: Neoplastic Syndromes, Hereditary; Hereditary Cancer Syndrome; Tumor predisposition; Hereditary neoplastic syndrome. Identifiers: Orphanet 140162, MedGen C0027672, MeSH D009386, MONDO:0015356.
Familial melanoma. Also called: Hereditary melanoma; Hereditary cutaneous melanoma. Identifiers: Orphanet 618, MedGen C1512419, MONDO:0018961.

Submissions (2):

Ambry Genetics
Classification: Uncertain significance for Hereditary cancer-predisposing syndrome. Last evaluated: 2024-03-07. Review status: criteria provided, single submitter. Criteria: Ambry Variant Classification Scheme 2023. Collection method: clinical testing. Allele origin: germline.
Comment: The p.R101K variant (also known as c.302G>A), located in coding exon 2 of the CDK4 gene, results from a G to A substitution at nucleotide position 302. The arginine at codon 101 is replaced by lysine, an amino acid with highly similar properties. This amino acid position is conserved. In addition, this alteration is predicted to be tolerated by in silico analysis. Based on the available evidence, the clinical significance of this alteration remains unclear.

Labcorp Genetics (formerly Invitae), Labcorp
Classification: Uncertain significance for Familial melanoma. Last evaluated: 2023-05-20. Review status: criteria provided, single submitter. Criteria: Invitae Variant Classification Sherloc (09022015). Collection method: clinical testing. Allele origin: germline.
Comment: In summary, the available evidence is currently insufficient to determine the role of this variant in disease. Therefore, it has been classified as a Variant of Uncertain Significance. Advanced modeling of protein sequence and biophysical properties (such as structural, functional, and spatial information, amino acid conservation, physicochemical variation, residue mobility, and thermodynamic stability) performed at Invitae indicates that this missense variant is not expected to disrupt CDK4 protein function. This variant has not been reported in the literature in individuals affected with CDK4-related conditions. This variant is not present in population databases (gnomAD no frequency). This sequence change replaces arginine, which is basic and polar, with lysine, which is basic and polar, at codon 101 of the CDK4 protein (p.Arg101Lys).

NM_000075.4(CDK4):c.302G>A (p.Arg101Lys)

Gene: CDK4 (cyclin dependent kinase 4; minus strand). Cytogenetic location: 12q14.1.
Variant type: single nucleotide variant.
Coding change: c.302G>A on transcript NM_000075.4 (MANE Select); coding-DNA position 302, G replaced by A.
Protein change: p.Arg101Lys; replaces arginine 101 with lysine.
Molecular consequence: missense variant.
Genome position (GRCh38, 1-based): chr12:57,751,259, C>T on the plus strand (G>A on the coding strand, the complement: CDK4 is on the minus strand). VCF-style: chr12-57751259-C-T. GRCh37 (hg19) VCF-style: chr12-58145042-C-T.
Other names: short protein forms R101K.
Identifiers: ClinVar variation 2849020 (VCV002849020.4), dbSNP rs2540902401, ClinGen allele CA385547831.